The following is an entry in ClinVar:

ClinVar aggregate classification (germline): Likely benign (1 of 4 stars; one submission).

Conditions:
Oligodontia-cancer predisposition syndrome. Also called: TOOTH AGENESIS-COLORECTAL CANCER SYNDROME. Identifiers: Orphanet 300576, MedGen C1837750, MONDO:0012075, OMIM 608615. Disease mechanism: loss of function.

gnomAD v4.1: 1 of 1,613,876 alleles (0.000062%); highest among the groups gnomAD compares: Non-Finnish European, 0.000085%; no homozygotes.

Submission:

Myriad Genetics, Inc.
Classification: Likely benign for Oligodontia-cancer predisposition syndrome. Last evaluated: 2024-07-01. Review status: criteria provided, single submitter. Criteria: Myriad Autosomal Dominant, Autosomal Recessive and X-Linked Classification Criteria (2023). Collection method: clinical testing. Allele origin: unknown.
Comment: This variant is considered likely benign. This variant is intronic and is not expected to impact mRNA splicing.

NM_004655.4(AXIN2):c.1060-15T>C

Gene: AXIN2 (axin 2; minus strand). Cytogenetic location: 17q24.1.
Variant type: single nucleotide variant.
Coding change: c.1060-15T>C on transcript NM_004655.4 (MANE Select); 15 bases into the intron before coding-DNA position 1060, T replaced by C.
Molecular consequence: intron variant.
Genome position (GRCh38, 1-based): chr17:65,538,358, A>G on the plus strand (T>C on the coding strand, the complement: AXIN2 is on the minus strand). VCF-style: chr17-65538358-A-G. GRCh37 (hg19) VCF-style: chr17-63534476-A-G.
Other names: c.1060-15T>C (NM_001363813.1).
Identifiers: ClinVar variation 3378975 (VCV003378975.1).
Genomic context (GRCh38, chr17:65,538,358, plus strand): 5'-TGGCGGGTTCCACGGGGGTCATCTCCTTGGGCAGGCGGTGGGTTCTCTACAGGACGTGGA[A>G]AGGAAAGGGAGGAGGCACGTTCAGCAGGCTAGGTGGGCGGTGGCTTGGCCGGAGCTTCCC-3'